The following is an entry in ClinVar:

ClinVar aggregate classification (germline): Pathogenic/Likely pathogenic. Review status: criteria provided, multiple submitters, no conflicts (2 of 4 stars). 2 submissions from 2 submitters: Pathogenic (1); Likely pathogenic (1). Last evaluated 2021-10-21.

Conditions:
Inborn genetic diseases. Identifiers: MedGen C0950123, MeSH D030342.
Bethlem myopathy 1A. Also called: MYOPATHY, BENIGN CONGENITAL, WITH CONTRACTURES; Bethlem myopathy 1; Bethlem Muscular Dystrophy. Identifiers: Orphanet 610, MedGen CN029274, MONDO:0024530, OMIM 158810.

Submissions (2):

Labcorp Genetics (formerly Invitae), Labcorp
Classification: Likely pathogenic for Bethlem myopathy 1A. Last evaluated: 2021-10-21. Review status: criteria provided, single submitter. Criteria: Invitae Variant Classification Sherloc (09022015). Collection method: clinical testing. Allele origin: germline.
Comment: This variant is not present in population databases (gnomAD no frequency). This sequence change replaces glycine, which is neutral and non-polar, with arginine, which is basic and polar, at codon 2080 of the COL6A3 protein (p.Gly2080Arg). This variant has not been reported in the literature in individuals affected with COL6A3-related conditions. ClinVar contains an entry for this variant (Variation ID: 520883). Advanced modeling of protein sequence and biophysical properties (such as structural, functional, and spatial information, amino acid conservation, physicochemical variation, residue mobility, and thermodynamic stability) performed at Invitae indicates that this missense variant is expected to disrupt COL6A3 protein function. This variant disrupts the triple helix domain of COL6A3. Glycine residues within the Gly-Xaa-Yaa repeats of the triple helix domain are required for the structure and stability of fibrillar collagens (PMID: 7695699, 8218237, 19344236). In COL6A3, missense variants at these glycine residues are significantly enriched in individuals with autosomal dominant disease (PMID: 15689448, 24038877) compared to the general population (ExAC). This variant disrupts the p.Gly2080 amino acid residue in COL6A3. Other variant(s) that disrupt this residue have been determined to be pathogenic (PMID: 15689448, 27854213). This suggests that this residue is clinically significant, and that variants that disrupt this residue are likely to be disease-causing. In summary, the currently available evidence indicates that the variant is pathogenic, but additional data are needed to prove that conclusively. Therefore, this variant has been classified as Likely Pathogenic.

Ambry Genetics
Classification: Pathogenic for Inborn genetic diseases. Last evaluated: 2015-11-23. Review status: criteria provided, single submitter. Criteria: Ambry exome assertion method (8-5-2015). Collection method: clinical testing. Allele origin: germline. Affected: yes. Observed: 1 variant allele.

Literature cited by the submitters: PubMed 7695699 (cited by Labcorp Genetics (formerly Invitae), Labcorp); PubMed 8218237 (cited by Labcorp Genetics (formerly Invitae), Labcorp); PubMed 19344236 (cited by Labcorp Genetics (formerly Invitae), Labcorp); PubMed 15689448 (cited by Labcorp Genetics (formerly Invitae), Labcorp); PubMed 24038877 (cited by Labcorp Genetics (formerly Invitae), Labcorp); PubMed 27854213 (cited by Labcorp Genetics (formerly Invitae), Labcorp).

NM_004369.4(COL6A3):c.6238G>C (p.Gly2080Arg)

Gene: COL6A3 (collagen type VI alpha 3 chain; minus strand). Cytogenetic location: 2q37.3.
Variant type: single nucleotide variant.
Coding change: c.6238G>C on transcript NM_004369.4 (MANE Select); coding-DNA position 6238, G replaced by C.
Protein change: p.Gly2080Arg; replaces glycine 2080 with arginine.
Molecular consequence: missense variant.
Genome position (GRCh38, 1-based): chr2:237,360,132, C>G on the plus strand (G>C on the coding strand, the complement: COL6A3 is on the minus strand). VCF-style: chr2-237360132-C-G. GRCh37 (hg19) VCF-style: chr2-238268775-C-G.
Other names: c.4417G>C, p.Gly1473Arg (NM_057166.5); c.5620G>C, p.Gly1874Arg (NM_057167.4); short protein forms G2080R, G1473R, G1874R.
Identifiers: ClinVar variation 520883 (VCV000520883.10), dbSNP rs1553553625, ClinGen allele CA351216634.